The following is an entry in ClinVar:

NM_025114.4(CEP290):c.942+1G>A

Gene: CEP290 (centrosomal protein 290; minus strand). Cytogenetic location: 12q21.32.
Variant type: single nucleotide variant.
Coding change: c.942+1G>A on transcript NM_025114.4 (MANE Select); the canonical splice donor site of the intron after coding-DNA position 942, G replaced by A.
Molecular consequence: splice donor variant.
Genome position (GRCh38, 1-based): chr12:88,128,945, C>T on the plus strand (G>A on the coding strand, the complement: CEP290 is on the minus strand). VCF-style: chr12-88128945-C-T. GRCh37 (hg19) VCF-style: chr12-88522722-C-T.
Identifiers: ClinVar variation 1508987 (VCV001508987.6), dbSNP rs2039897317, ClinGen allele CA385983528.
Genomic context (GRCh38, chr12:88,128,945, plus strand): 5'-ACTAAAATTTAAATCTAAAATACAAAAAGAAAAAGTTATTATGTCAATTGAAAAAAAATA[C>T]CTTCCATTCTTCTACTTTTGCATTGACAGCTACCATAATTGGATCATCTTCTTCATTTTT-3'

ClinVar aggregate classification (germline): Likely pathogenic (1 of 4 stars; one submission).

Conditions:
Nephronophthisis. Also called: Juvenile Nephronophthisis. Identifiers: Orphanet 655, MedGen C0687120, MONDO:0019005, HP:0000090.
Meckel-Gruber syndrome. Also called: DYSENCEPHALIA SPLANCHNOCYSTICA; GRUBER SYNDROME; Dysencephalia splachnocystica. Identifiers: Orphanet 564, MedGen C0265215, MONDO:0018921.
Joubert syndrome. Also called: CEREBELLOPARENCHYMAL DISORDER IV; JOUBERT-BOLTSHAUSER SYNDROME; Familial aplasia of the vermis. Identifiers: Orphanet 475, MedGen C5979921, MONDO:0018772.

Submission:

Labcorp Genetics (formerly Invitae), Labcorp
Classification: Likely pathogenic for Joubert syndrome; Meckel-Gruber syndrome; Nephronophthisis. Last evaluated: 2021-10-17. Review status: criteria provided, single submitter. Criteria: Invitae Variant Classification Sherloc (09022015). Collection method: clinical testing. Allele origin: germline.
Comment: This variant is not present in population databases (gnomAD no frequency). This variant has not been reported in the literature in individuals affected with CEP290-related conditions. Algorithms developed to predict the effect of sequence changes on RNA splicing suggest that this variant may disrupt the consensus splice site. In summary, the currently available evidence indicates that the variant is pathogenic, but additional data are needed to prove that conclusively. Therefore, this variant has been classified as Likely Pathogenic. This sequence change affects a donor splice site in intron 11 of the CEP290 gene. It is expected to disrupt RNA splicing. Variants that disrupt the donor or acceptor splice site typically lead to a loss of protein function (PMID: 16199547), and loss-of-function variants in CEP290 are known to be pathogenic (PMID: 16909394, 17345604, 20690115).

Literature cited by the submitters: PubMed 16199547; PubMed 16909394; PubMed 17345604; PubMed 20690115.